The following is an entry in ClinVar:

ClinVar aggregate classification (germline): Uncertain significance (1 of 4 stars; one submission).

Conditions:
PHGDH deficiency. Identifiers: Orphanet 79351, MedGen C1866174, MONDO:0011152, OMIM 601815.

Allele frequency attached by ClinVar (database versions not stated): TOPMed 0.00001; ExAC 0.00002; gnomAD exomes 0.00002 and 0.00003; gnomAD 0.00004.
gnomAD v4.1: 46 of 1,613,938 alleles (0.0029%); highest among the groups gnomAD compares: Non-Finnish European, 0.0034%; no homozygotes.

Submission:

Labcorp Genetics (formerly Invitae), Labcorp
Classification: Uncertain significance for PHGDH deficiency. Last evaluated: 2025-01-13. Review status: criteria provided, single submitter. Criteria: Invitae Variant Classification Sherloc (09022015). Collection method: clinical testing. Allele origin: germline.
Comment: This sequence change replaces isoleucine, which is neutral and non-polar, with valine, which is neutral and non-polar, at codon 172 of the PHGDH protein (p.Ile172Val). This variant is present in population databases (rs749677150, gnomAD 0.02%). This variant has not been reported in the literature in individuals affected with PHGDH-related conditions. ClinVar contains an entry for this variant (Variation ID: 1350465). An algorithm developed to predict the effect of missense changes on protein structure and function outputs the following: PolyPhen-2: "Benign". The valine amino acid residue is found in multiple mammalian species, which suggests that this missense change does not adversely affect protein function. In summary, the available evidence is currently insufficient to determine the role of this variant in disease. Therefore, it has been classified as a Variant of Uncertain Significance.

NM_006623.4(PHGDH):c.514A>G (p.Ile172Val)

Gene: PHGDH (phosphoglycerate dehydrogenase; plus strand). Cytogenetic location: 1p12.
Variant type: single nucleotide variant.
Coding change: c.514A>G on transcript NM_006623.4 (MANE Select); coding-DNA position 514, A replaced by G.
Protein change: p.Ile172Val; replaces isoleucine 172 with valine.
Molecular consequence: missense variant.
Genome position (GRCh38, 1-based): chr1:119,734,637, A>G. VCF-style: chr1-119734637-A-G. GRCh37 (hg19) VCF-style: chr1-120277260-A-G.
Other names: short protein forms I172V.
Identifiers: ClinVar variation 1350465 (VCV001350465.4), dbSNP rs749677150, ClinGen allele CA1037138.
Genomic context (GRCh38, chr1:119,734,637, plus strand): 5'-ATAACAATACTAATAATTAAGAATGACACTTCCTCCCTCTCTCTTGCTTCCAACCAGACT[A>G]TAGGGTATGACCCCATCATTTCCCCAGAGGTCTCGGCCTCCTTTGGTGTTCAGCAGCTGC-3'
Protein context (NP_006614.2, residues 162-182): TRMQSFGMKT[Ile172Val]GYDPIISPEV